The following is an entry in ClinVar:

NM_001963.6(EGF):c.3099C>T (p.Val1033=)

Gene: EGF (epidermal growth factor; plus strand). Cytogenetic location: 4q25.
Variant type: single nucleotide variant.
Coding change: c.3099C>T on transcript NM_001963.6 (MANE Select); coding-DNA position 3099, C replaced by T.
Protein change: p.Val1033=; no amino-acid change (valine 1033 retained).
Molecular consequence: synonymous variant.
Genome position (GRCh38, 1-based): chr4:109,999,772, C>T. VCF-style: chr4-109999772-C-T. GRCh37 (hg19) VCF-style: chr4-110920928-C-T.
Other names: c.2976C>T, p.Val992= (NM_001178130.3); c.2973C>T, p.Val991= (NM_001178131.3); c.2730C>T, p.Val910= (NM_001357021.2).
Identifiers: ClinVar variation 740956 (VCV000740956.9), dbSNP rs144628857, ClinGen allele CA3044171.
Genomic context (GRCh38, chr4:109,999,772, plus strand): 5'-GTACCGAGACCTGAAGTGGTGGGAACTGCGCCACGCTGGCCACGGGCAGCAGCAGAAGGT[C>T]ATCGTGGTGGCTGTCTGCGTGGTGGTGCTTGTCATGCTGCTCCTCCTGAGCCTGTGGGGG-3'
Protein context (NP_001954.2, residues 1023-1043): RHAGHGQQQK[Val1033=]IVVAVCVVVL

ClinVar aggregate classification (germline): Likely benign. Review status: criteria provided, multiple submitters, no conflicts (2 of 4 stars). 3 submissions from 3 submitters: Likely benign (2). 1 of the submissions does not count toward it. Last evaluated 2023-09-30.

Conditions:
EGF-related disorder. Also called: EGF-related condition.
Renal hypomagnesemia 4. Also called: HYPOMAGNESEMIA, RENAL, NORMOCALCIURIC. Identifiers: Orphanet 34527, MedGen C2673648, MONDO:0012717, OMIM 611718.

Allele frequency attached by ClinVar (database versions not stated): gnomAD exomes 0.00005 and 0.00017; ExAC 0.00007; gnomAD 0.00014; TOPMed 0.00014; ESP Exome Variant Server 0.00023.
gnomAD v4.1: 265 of 1,613,942 alleles (0.016%); highest among the groups gnomAD compares: Non-Finnish European, 0.022%; 2 homozygotes.

Submissions (3):

Labcorp Genetics (formerly Invitae), Labcorp
Classification: Likely benign. Last evaluated: 2023-09-30. Review status: criteria provided, single submitter. Criteria: Invitae Variant Classification Sherloc (09022015). Collection method: clinical testing. Allele origin: germline.

Fulgent Genetics
Classification: Likely benign for Renal hypomagnesemia 4. Last evaluated: 2021-09-09. Review status: criteria provided, single submitter. Criteria: ACMG Guidelines, 2015. Collection method: clinical testing. Allele origin: unknown.

PreventionGenetics, part of Exact Sciences
Classification: Likely benign for EGF-related condition. Last evaluated: 2019-07-23. Review status: no assertion criteria provided. Collection method: clinical testing. Allele origin: germline. Not counted in ClinVar's aggregate classification.
Comment: This variant is classified as likely benign based on ACMG/AMP sequence variant interpretation guidelines (Richards et al. 2015 PMID: 25741868, with internal and published modifications).